The following is an entry in ClinVar:

ClinVar aggregate classification (germline): Uncertain significance. Review status: criteria provided, multiple submitters, no conflicts (2 of 4 stars). 3 submissions from 2 submitters: Uncertain significance (3). Last evaluated 2022-06-22.

Conditions:
Hypoalphalipoproteinemia, primary, 1. Identifiers: Orphanet 425, MedGen C5231558, MONDO:0011393, OMIM 604091.
Tangier disease (TGD). Also called: HIGH DENSITY LIPOPROTEIN DEFICIENCY, TANGIER TYPE; HIGH DENSITY LIPOPROTEIN DEFICIENCY, TYPE 1; Cholesterol thesaurismosis. Identifiers: Orphanet 31150, MedGen C0039292, MONDO:0008783, OMIM 205400.

Allele frequency attached by ClinVar (database versions not stated): gnomAD exomes below 0.00001; gnomAD 0.00001.
gnomAD v4.1: 11 of 1,613,916 alleles (0.00068%); highest among the groups gnomAD compares: East Asian, 0.0067%; no homozygotes.

Submissions (3):

Labcorp Genetics (formerly Invitae), Labcorp
Classification: Uncertain significance. Last evaluated: 2022-06-22. Review status: criteria provided, single submitter. Criteria: Invitae Variant Classification Sherloc (09022015). Collection method: clinical testing. Allele origin: germline.
Comment: In summary, the available evidence is currently insufficient to determine the role of this variant in disease. Therefore, it has been classified as a Variant of Uncertain Significance. Advanced modeling of protein sequence and biophysical properties (such as structural, functional, and spatial information, amino acid conservation, physicochemical variation, residue mobility, and thermodynamic stability) performed at Invitae indicates that this missense variant is not expected to disrupt ABCA1 protein function. ClinVar contains an entry for this variant (Variation ID: 913816). This variant has not been reported in the literature in individuals affected with ABCA1-related conditions. This variant is present in population databases (no rsID available, gnomAD 0.005%). This sequence change replaces arginine, which is basic and polar, with cysteine, which is neutral and slightly polar, at codon 126 of the ABCA1 protein (p.Arg126Cys).

Illumina Laboratory Services, Illumina
Classification: Uncertain significance for Hypoalphalipoproteinemia, primary, 1. Last evaluated: 2017-04-28. Review status: criteria provided, single submitter. Criteria: ICSL Variant Classification Criteria 13 December 2019. Collection method: clinical testing. Allele origin: germline.

Illumina Laboratory Services, Illumina
Classification: Uncertain significance for Tangier disease. Last evaluated: 2017-04-28. Review status: criteria provided, single submitter. Criteria: ICSL Variant Classification Criteria 13 December 2019. Collection method: clinical testing. Allele origin: germline.

NM_005502.4(ABCA1):c.376C>T (p.Arg126Cys)

Gene: ABCA1 (ATP binding cassette subfamily A member 1; minus strand). Cytogenetic location: 9q31.1.
Variant type: single nucleotide variant.
Coding change: c.376C>T on transcript NM_005502.4 (MANE Select); coding-DNA position 376, C replaced by T.
Protein change: p.Arg126Cys; replaces arginine 126 with cysteine.
Molecular consequence: missense variant.
Genome position (GRCh38, 1-based): chr9:104,883,084, G>A on the plus strand (C>T on the coding strand, the complement: ABCA1 is on the minus strand). VCF-style: chr9-104883084-G-A. GRCh37 (hg19) VCF-style: chr9-107645365-G-A.
Other names: short protein forms R126C.
Identifiers: ClinVar variation 913816 (VCV000913816.8), dbSNP rs1286945641, ClinGen allele CA374315969.
Genomic context (GRCh38, chr9:104,883,084, plus strand): 5'-AAGGTTTTTACTTACTTGAGCTGGATTTCTTGATCTGCTGTAATGTTCTCAGAACTTTGC[G>A]CATGTCCTTCATGCTGGTGTCTTTCTGGCTGTATAAAAGAAGCCTCCGAGCATCTGAGAA-3'
Protein context (NP_005493.2, residues 116-136): SQKDTSMKDM[Arg126Cys]KVLRTLQQIK